The following is an entry in ClinVar:

ClinVar aggregate classification (germline): Conflicting classifications of pathogenicity. Review status: criteria provided, conflicting classifications (1 of 4 stars). 4 submissions from 4 submitters: Uncertain significance (1); Likely benign (2). 1 of the submissions does not count toward it. Last evaluated 2026-04-01.

Conditions:
Menkes kinky-hair syndrome (MNK). Also called: Copper transport disease; Menkes Disease; Classic Menkes Disease. Identifiers: Orphanet 565, MedGen C0022716, MONDO:0010651, OMIM 309400.
X-linked distal spinal muscular atrophy type 3. Also called: NEURONOPATHY, DISTAL HEREDITARY MOTOR, X-LINKED; NEUROPATHY, DISTAL HEREDITARY MOTOR, X-LINKED; ATP7A-Related Distal Motor Neuropathy; SPINAL MUSCULAR ATROPHY, DISTAL, X-LINKED RECESSIVE. Identifiers: Orphanet 139557, MedGen C1845359, MONDO:0010338, OMIM 300489.
Cutis laxa, X-linked (OHS). Also called: Occipital horn syndrome; EDS IX. Identifiers: Orphanet 198, MedGen C0268353, MONDO:0010572, OMIM 304150.

Allele frequency attached by ClinVar (database versions not stated): gnomAD exomes 0.00001 and 0.00002; ExAC 0.00003; gnomAD 0.00005 and 0.00078; ESP Exome Variant Server 0.00028; TOPMed 0.00119.
gnomAD v4.1: 95 of 1,209,242 alleles (0.0079%); highest among the groups gnomAD compares: Non-Finnish European, 0.0019%; 2 homozygotes.

Submissions (4):

CeGaT Center for Human Genetics Tuebingen
Classification: Likely benign. Last evaluated: 2026-04-01. Review status: criteria provided, single submitter. Criteria: CeGaT Center For Human Genetics Tuebingen Variant Classification Criteria Version 2. Collection method: clinical testing. Allele origin: germline. Affected: yes. Observed: 1 variant allele.
Comment: ATP7A: BS2

Labcorp Genetics (formerly Invitae), Labcorp
Classification: Likely benign for X-linked distal spinal muscular atrophy type 3; Cutis laxa, X-linked; Menkes kinky-hair syndrome. Last evaluated: 2025-12-22. Review status: criteria provided, single submitter. Criteria: Invitae Variant Classification Sherloc (09022015). Collection method: clinical testing. Allele origin: germline.

GeneDx
Classification: Uncertain significance. Last evaluated: 2021-05-11. Review status: criteria provided, single submitter. Criteria: GeneDx Variant Classification Process June 2021. Collection method: clinical testing. Allele origin: germline. Affected: yes.
Comment: Has not been previously published as pathogenic or benign to our knowledge; Reported in ClinVar (ClinVar Variant ID# 465118; Landrum et al., 2016); In silico analysis, which includes protein predictors and evolutionary conservation, supports that this variant does not alter protein structure/function

Natera, Inc.
Classification: Likely benign for Menkes kinky hair syndrome. Last evaluated: 2019-10-28. Review status: no assertion criteria provided. Collection method: clinical testing. Allele origin: germline. Not counted in ClinVar's aggregate classification.

NM_000052.7(ATP7A):c.3475A>G (p.Thr1159Ala)

Gene: ATP7A (ATPase copper transporting alpha; plus strand). Cytogenetic location: Xq21.1.
Variant type: single nucleotide variant.
Coding change: c.3475A>G on transcript NM_000052.7 (MANE Select); coding-DNA position 3475, A replaced by G.
Protein change: p.Thr1159Ala; replaces threonine 1159 with alanine.
Molecular consequence: missense variant. On other transcripts: non-coding transcript variant (1).
Genome position (GRCh38, 1-based): chrX:78,033,785, A>G. VCF-style: chrX-78033785-A-G. GRCh37 (hg19) VCF-style: chrX-77289283-A-G.
Other names: c.3241A>G, p.Thr1081Ala (NM_001282224.2); short protein forms T1159A, T1081A.
Identifiers: ClinVar variation 465118 (VCV000465118.17), dbSNP rs138154934, ClinGen allele CA10459417.